The following is an entry in ClinVar:

ClinVar aggregate classification (germline): Uncertain significance (1 of 4 stars; one submission).

Conditions:
Cardiovascular phenotype. Identifiers: MedGen CN230736.

gnomAD v4.1: 1 of 1,614,078 alleles (0.000062%); highest among the groups gnomAD compares: Non-Finnish European, 0.000085%; no homozygotes.

Submission:

Ambry Genetics
Classification: Uncertain significance for Cardiovascular phenotype. Last evaluated: 2025-01-10. Review status: criteria provided, single submitter. Criteria: Ambry Variant Classification Scheme 2023. Collection method: clinical testing. Allele origin: germline.
Comment: The p.V781L variant (also known as c.2341G>T), located in coding exon 15 of the CBL gene, results from a G to T substitution at nucleotide position 2341. The valine at codon 781 is replaced by leucine, an amino acid with highly similar properties. This amino acid position is conserved. In addition, this alteration is predicted to be tolerated by in silico analysis. Based on the available evidence, the clinical significance of this variant remains unclear.

NM_005188.4(CBL):c.2341G>T (p.Val781Leu)

Gene: CBL (Cbl proto-oncogene; plus strand). Cytogenetic location: 11q23.3.
Variant type: single nucleotide variant.
Coding change: c.2341G>T on transcript NM_005188.4 (MANE Select); coding-DNA position 2341, G replaced by T.
Protein change: p.Val781Leu; replaces valine 781 with leucine.
Molecular consequence: missense variant.
Genome position (GRCh38, 1-based): chr11:119,298,447, G>T. VCF-style: chr11-119298447-G-T. GRCh37 (hg19) VCF-style: chr11-119169157-G-T.
Other names: short protein forms V781L.
Identifiers: ClinVar variation 3827806 (VCV003827806.1).
Genomic context (GRCh38, chr11:119,298,447, plus strand): 5'-AACACTGGTCCCGAGGAGTCAGAAAATGAGGATGATGGGTATGATGTCCCAAAGCCACCT[G>T]TGCCGGCCGTGCTGGCCCGCCGAACTCTCTCAGATATCTCTAATGCCAGCTCCTCCTTTG-3'
Protein context (NP_005179.2, residues 771-791): DDGYDVPKPP[Val781Leu]PAVLARRTLS